The following is an entry in ClinVar:

ClinVar aggregate classification (germline): Pathogenic (1 of 4 stars; one submission).

Conditions:
Radio-Tartaglia syndrome. Identifiers: Orphanet 662234, MedGen C5543339, MONDO:0859143, OMIM 619312.

Submission:

MGZ Medical Genetics Center
Classification: Pathogenic for Radio-Tartaglia syndrome. Last evaluated: 2021-09-08. Review status: criteria provided, single submitter. Criteria: ACMG Guidelines, 2015. Collection method: clinical testing. Allele origin: germline. Affected: yes. Observed: 1 variant allele.
Comment: ACMG criteria applied: PVS1, PS2, PM2_SUP

NM_015001.3(SPEN):c.7464dup (p.Ile2489fs)

Gene: SPEN (spen family transcriptional repressor; plus strand). Cytogenetic location: 1p36.13.
Variant type: Duplication.
Coding change: c.7464dup on transcript NM_015001.3 (MANE Select); coding-DNA position 7464, one base duplicated (G; older notation c.7464dupG).
Protein change: p.Ile2489fs; shifts the reading frame from isoleucine 2489.
Molecular consequence: frameshift variant.
Genome position (GRCh38, 1-based): chr1:15,933,704, G duplicated; the last of 6 consecutive G bases (chr1:15,933,699-15,933,704); duplicating any one gives the same sequence. VCF-style (leftmost placement, unchanged base first): chr1-15933698-T-TG. GRCh37 (hg19) VCF-style: chr1-16260193-T-TG.
Other names: short protein forms I2489fs.
Identifiers: ClinVar variation 1709827 (VCV001709827.2), dbSNP rs1557761571, ClinGen allele CA2580060585.